The following is an entry in ClinVar:

NM_022367.4(SEMA4A):c.1659C>G (p.Ser553Arg)

Gene: SEMA4A (semaphorin 4A; plus strand). Cytogenetic location: 1q22.
Variant type: single nucleotide variant.
Coding change: c.1659C>G on transcript NM_022367.4 (MANE Select); coding-DNA position 1659, C replaced by G.
Protein change: p.Ser553Arg; replaces serine 553 with arginine.
Molecular consequence: missense variant.
Genome position (GRCh38, 1-based): chr1:156,175,622, C>G. VCF-style: chr1-156175622-C-G. GRCh37 (hg19) VCF-style: chr1-156145413-C-G.
Other names: c.1659C>G, p.Ser553Arg (NM_001193300.2, NM_001193301.2, NM_001370567.1); c.1263C>G, p.Ser421Arg (NM_001193302.2); c.1362C>G, p.Ser454Arg (NM_001370568.1); c.1152C>G, p.Ser384Arg (NM_001370569.1, NM_001370571.1); short protein forms S384R, S454R, S421R, S553R.
Identifiers: ClinVar variation 2134625 (VCV002134625.4), dbSNP rs1366994988, ClinGen allele CA342810042.
Genomic context (GRCh38, chr1:156,175,622, plus strand): 5'-CTGGAAGCAGGACATGGAGCGGGGGAACCCAGAGTGGGCATGTGCCAGTGGCCCCATGAG[C>G]AGGAGCCTTCGGCCTCAGAGCCGCCCGCAAATCAGTGAGTGTAGGACCACTCACCAGGGG-3'
Protein context (NP_071762.2, residues 543-563): PEWACASGPM[Ser553Arg]RSLRPQSRPQ

ClinVar aggregate classification (germline): Uncertain significance (1 of 4 stars; one submission).

Allele frequency attached by ClinVar (database versions not stated): gnomAD 0.00001; TOPMed 0.00001.
gnomAD v4.1: 2 of 1,612,042 alleles (0.00012%); highest among the groups gnomAD compares: Non-Finnish European, 0.00017%; no homozygotes.

Submission:

Labcorp Genetics (formerly Invitae), Labcorp
Classification: Uncertain significance. Last evaluated: 2022-05-06. Review status: criteria provided, single submitter. Criteria: Invitae Variant Classification Sherloc (09022015). Collection method: clinical testing. Allele origin: germline.
Comment: In summary, the available evidence is currently insufficient to determine the role of this variant in disease. Therefore, it has been classified as a Variant of Uncertain Significance. Algorithms developed to predict the effect of missense changes on protein structure and function (SIFT, PolyPhen-2, Align-GVGD) all suggest that this variant is likely to be tolerated. This variant has not been reported in the literature in individuals affected with SEMA4A-related conditions. This variant is not present in population databases (gnomAD no frequency). This sequence change replaces serine, which is neutral and polar, with arginine, which is basic and polar, at codon 553 of the SEMA4A protein (p.Ser553Arg).